The following is an entry in ClinVar:

NM_133642.5(LARGE1):c.551C>T (p.Thr184Met)

Gene: LARGE1 (LARGE xylosyl- and glucuronyltransferase 1; minus strand). Cytogenetic location: 22q12.3.
Variant type: single nucleotide variant.
Coding change: c.551C>T on transcript NM_133642.5 (MANE Select); coding-DNA position 551, C replaced by T.
Protein change: p.Thr184Met; replaces threonine 184 with methionine.
Molecular consequence: missense variant.
Genome position (GRCh38, 1-based): chr22:33,604,499, G>A on the plus strand (C>T on the coding strand, the complement: LARGE1 is on the minus strand). VCF-style: chr22-33604499-G-A. GRCh37 (hg19) VCF-style: chr22-34000485-G-A.
Other names: c.551C>T, p.Thr184Met (NM_001362949.2, NM_001362951.2, NM_001362953.2 and 7 more transcripts); short protein forms T184M.
Identifiers: ClinVar variation 852472 (VCV000852472.10), dbSNP rs138676820, ClinGen allele CA10203004.

ClinVar aggregate classification (germline): Uncertain significance. Review status: criteria provided, multiple submitters, no conflicts (2 of 4 stars). 3 submissions from 3 submitters: Uncertain significance (3). Last evaluated 2022-07-11.

Conditions:
Muscular dystrophy-dystroglycanopathy type B6 (MDDGB6). Also called: MUSCULAR DYSTROPHY-DYSTROGLYCANOPATHY (CONGENITAL WITH IMPAIRED INTELLECTUAL DEVELOPMENT), TYPE B, 6; MUSCULAR DYSTROPHY, CONGENITAL, LARGE-RELATED; MUSCULAR DYSTROPHY, CONGENITAL, TYPE 1D. Identifiers: MedGen C1837229, MONDO:0012138, OMIM 608840.
Inborn genetic diseases. Identifiers: MedGen C0950123, MeSH D030342.

Allele frequency attached by ClinVar (database versions not stated): ExAC 0.00002; gnomAD exomes 0.00002; gnomAD 0.00003 and 0.00005; TOPMed 0.00005; ESP Exome Variant Server 0.00008; 1000 Genomes Project 0.00040; 1000 Genomes Project 30x 0.00047.
gnomAD v4.1: 37 of 1,614,118 alleles (0.0023%); highest among the groups gnomAD compares: East Asian, 0.011%; no homozygotes.

Submissions (3):

Labcorp Genetics (formerly Invitae), Labcorp
Classification: Uncertain significance for Muscular dystrophy-dystroglycanopathy type B6. Last evaluated: 2022-07-11. Review status: criteria provided, single submitter. Criteria: Invitae Variant Classification Sherloc (09022015). Collection method: clinical testing. Allele origin: germline.
Comment: This sequence change replaces threonine, which is neutral and polar, with methionine, which is neutral and non-polar, at codon 184 of the LARGE1 protein (p.Thr184Met). This variant is present in population databases (rs138676820, gnomAD 0.006%). This variant has not been reported in the literature in individuals affected with LARGE1-related conditions. ClinVar contains an entry for this variant (Variation ID: 852472). Algorithms developed to predict the effect of missense changes on protein structure and function output the following: SIFT: "Deleterious"; PolyPhen-2: "Benign"; Align-GVGD: "Class C0". The methionine amino acid residue is found in multiple mammalian species, which suggests that this missense change does not adversely affect protein function. In summary, the available evidence is currently insufficient to determine the role of this variant in disease. Therefore, it has been classified as a Variant of Uncertain Significance.

Ambry Genetics
Classification: Uncertain significance for Inborn genetic diseases. Last evaluated: 2021-09-01. Review status: criteria provided, single submitter. Criteria: Ambry Variant Classification Scheme 2023. Collection method: clinical testing. Allele origin: germline.

Revvity Omics, Revvity
Classification: Uncertain significance. Last evaluated: 2019-04-12. Review status: criteria provided, single submitter. Criteria: ACMG Guidelines, 2015. Collection method: clinical testing. Allele origin: germline.